The following is an entry in ClinVar:

ClinVar aggregate classification (germline): Likely benign. Review status: criteria provided, multiple submitters, no conflicts (2 of 4 stars). 3 submissions from 3 submitters: Likely benign (2). 1 of the submissions does not count toward it. Last evaluated 2025-10-16.

Conditions:
LRP5-related disorder. Also called: LRP5-related condition.

Allele frequency attached by ClinVar (database versions not stated): gnomAD 0.00003; TOPMed 0.00005; gnomAD exomes 0.00006 and 0.00009; ExAC 0.00008.
gnomAD v4.1: 145 of 1,613,962 alleles (0.009%); highest among the groups gnomAD compares: Middle Eastern, 0.016%; 1 homozygote.

Submissions (3):

Labcorp Genetics (formerly Invitae), Labcorp
Classification: Likely benign. Last evaluated: 2025-10-16. Review status: criteria provided, single submitter. Criteria: Invitae Variant Classification Sherloc (09022015). Collection method: clinical testing. Allele origin: germline.

Blueprint Genetics
Classification: Likely benign. Last evaluated: 2024-07-25. Review status: criteria provided, single submitter. Criteria: ACMG Guidelines, 2015. Collection method: clinical testing. Allele origin: germline.

PreventionGenetics, part of Exact Sciences
Classification: Likely benign for LRP5-related condition. Last evaluated: 2019-07-30. Review status: no assertion criteria provided. Collection method: clinical testing. Allele origin: germline. Not counted in ClinVar's aggregate classification.
Comment: This variant is classified as likely benign based on ACMG/AMP sequence variant interpretation guidelines (Richards et al. 2015 PMID: 25741868, with internal and published modifications).

NM_002335.4(LRP5):c.1122C>T (p.His374=)

Gene: LRP5 (LDL receptor related protein 5; plus strand). Cytogenetic location: 11q13.2.
Variant type: single nucleotide variant.
Coding change: c.1122C>T on transcript NM_002335.4 (MANE Select); coding-DNA position 1122, C replaced by T.
Protein change: p.His374=; no amino-acid change (histidine 374 retained).
Molecular consequence: synonymous variant. On other transcripts: 5 prime UTR variant (1).
Genome position (GRCh38, 1-based): chr11:68,386,422, C>T. VCF-style: chr11-68386422-C-T. GRCh37 (hg19) VCF-style: chr11-68153890-C-T.
Other names: c.-644C>T (NM_001291902.2); c.1122C>T (NM_002335.3).
Identifiers: ClinVar variation 1081386 (VCV001081386.13), dbSNP rs764504521, ClinGen allele CA6149253.